The following is an entry in ClinVar:

NM_015662.3(IFT172):c.1714C>T (p.Arg572Trp)

Gene: IFT172 (intraflagellar transport 172; minus strand). Cytogenetic location: 2p23.3.
Variant type: single nucleotide variant.
Coding change: c.1714C>T on transcript NM_015662.3 (MANE Select); coding-DNA position 1714, C replaced by T.
Protein change: p.Arg572Trp; replaces arginine 572 with tryptophan.
Molecular consequence: missense variant.
Genome position (GRCh38, 1-based): chr2:27,465,861, G>A on the plus strand (C>T on the coding strand, the complement: IFT172 is on the minus strand). VCF-style: chr2-27465861-G-A. GRCh37 (hg19) VCF-style: chr2-27688728-G-A.
Other names: c.1714C>T (NM_015662.2); c.1648C>T, p.Arg550Trp (NM_001410739.1); short protein forms R550W, R572W.
Identifiers: ClinVar variation 2418869 (VCV002418869.5), dbSNP rs377512468, ClinGen allele CA1580547.
Genomic context (GRCh38, chr2:27,465,861, plus strand): 5'-ATGTGTAGGCAACAGTAGTCACACCTTCCATCACCATCACCTCGGTCTTTCCCCCGCCCC[G>A]CTCCAGACCTATAACATCACCCTGTAAAAGTTTATCCCCCAACCCACCCCAATTTCAGGT-3'
Protein context (NP_056477.1, residues 562-582): TIRGDVIGLE[Arg572Trp]GGGKTEVMVM

ClinVar aggregate classification (germline): Uncertain significance. Review status: criteria provided, multiple submitters, no conflicts (2 of 4 stars). 2 submissions from 2 submitters: Uncertain significance (2). Last evaluated 2026-03-02.

Conditions:
Retinitis pigmentosa 71 (RP71). Identifiers: Orphanet 791, MedGen C4225342, MONDO:0014618, OMIM 616394.
Short-rib thoracic dysplasia 10 with or without polydactyly (SRTD10). Identifiers: Orphanet 474, MedGen C3810175, MONDO:0014284, OMIM 615630.
IFT172-related disorder. Also called: IFT172-related condition; IFT172-related disorders.

Allele frequency attached by ClinVar (database versions not stated): gnomAD exomes 0.00001; ExAC 0.00002; TOPMed 0.00002; gnomAD 0.00003; ESP Exome Variant Server 0.00008; 1000 Genomes Project 0.00020; 1000 Genomes Project 30x 0.00031.

Submissions (2):

PreventionGenetics, part of Exact Sciences
Classification: Uncertain significance for IFT172-related condition. Last evaluated: 2026-03-02. Review status: criteria provided, single submitter. Criteria: ACMG Guidelines, 2015. Collection method: clinical testing. Allele origin: germline.
Comment: The IFT172 c.1714C>T variant is predicted to result in the amino acid substitution p.Arg572Trp. To our knowledge, this variant has not been reported in the literature. This variant is reported in 0.0046% of alleles in individuals of European (Non-Finnish) descent in gnomAD. At this time, the clinical significance of this variant is uncertain due to the absence of conclusive functional and genetic evidence.

Labcorp Genetics (formerly Invitae), Labcorp
Classification: Uncertain significance for Retinitis pigmentosa 71; Short-rib thoracic dysplasia 10 with or without polydactyly. Last evaluated: 2022-07-06. Review status: criteria provided, single submitter. Criteria: Invitae Variant Classification Sherloc (09022015). Collection method: clinical testing. Allele origin: germline.
Comment: This sequence change replaces arginine, which is basic and polar, with tryptophan, which is neutral and slightly polar, at codon 572 of the IFT172 protein (p.Arg572Trp). This variant is present in population databases (rs377512468, gnomAD 0.006%). This variant has not been reported in the literature in individuals affected with IFT172-related conditions. Algorithms developed to predict the effect of missense changes on protein structure and function are either unavailable or do not agree on the potential impact of this missense change (SIFT: "Deleterious"; PolyPhen-2: "Probably Damaging"; Align-GVGD: "Class C0"). In summary, the available evidence is currently insufficient to determine the role of this variant in disease. Therefore, it has been classified as a Variant of Uncertain Significance.